The following is an entry in ClinVar:

NM_004655.4(AXIN2):c.1632T>C (p.Pro544=)

Gene: AXIN2 (axin 2; minus strand). Cytogenetic location: 17q24.1.
Variant type: single nucleotide variant.
Coding change: c.1632T>C on transcript NM_004655.4 (MANE Select); coding-DNA position 1632, T replaced by C.
Protein change: p.Pro544=; no amino-acid change (proline 544 retained).
Molecular consequence: synonymous variant.
Genome position (GRCh38, 1-based): chr17:65,537,404, A>G on the plus strand (T>C on the coding strand, the complement: AXIN2 is on the minus strand). VCF-style: chr17-65537404-A-G. GRCh37 (hg19) VCF-style: chr17-63533522-A-G.
Other names: c.1632T>C, p.Pro544= (NM_001363813.1); c.1632T>C (LRG_296t1).
Identifiers: ClinVar variation 464559 (VCV000464559.12), dbSNP rs1555577634, ClinGen allele CA501691144.
Genomic context (GRCh38, chr17:65,537,404, plus strand): 5'-GGTTTCCGGAGCCTTGGAGTGGCTTTTGCATTTCGAGTAGCAGTAATACTCGCTGCCCCC[A>G]GGGCAGAAGCAGTGCACCCGCTGCGTGGCCTCCGCCTCGATCTCCTCCTTGGTCTTGGGG-3'
Protein context (NP_004646.3, residues 534-554): EATQRVHCFC[Pro544=]GGSEYYCYSK

ClinVar aggregate classification (germline): Benign/Likely benign. Review status: criteria provided, multiple submitters, no conflicts (2 of 4 stars). 3 submissions from 3 submitters: Benign (1); Likely benign (2). Last evaluated 2025-05-30.

Conditions:
Oligodontia-cancer predisposition syndrome. Also called: TOOTH AGENESIS-COLORECTAL CANCER SYNDROME. Identifiers: Orphanet 300576, MedGen C1837750, MONDO:0012075, OMIM 608615. Disease mechanism: loss of function.
Hereditary cancer-predisposing syndrome. Also called: Neoplastic Syndromes, Hereditary; Tumor predisposition; Hereditary Cancer Syndrome; Hereditary neoplastic syndrome. Identifiers: Orphanet 140162, MedGen C0027672, MeSH D009386, MONDO:0015356.

Allele frequency attached by ClinVar (database versions not stated): gnomAD exomes 0.00001.

Submissions (3):

Labcorp Genetics (formerly Invitae), Labcorp
Classification: Likely benign for Oligodontia-cancer predisposition syndrome. Last evaluated: 2025-05-30. Review status: criteria provided, single submitter. Criteria: Invitae Variant Classification Sherloc (09022015). Collection method: clinical testing. Allele origin: germline.

Myriad Genetics, Inc.
Classification: Benign for Oligodontia-cancer predisposition syndrome. Last evaluated: 2024-07-05. Review status: criteria provided, single submitter. Criteria: Myriad Autosomal Dominant, Autosomal Recessive and X-Linked Classification Criteria (2023). Collection method: clinical testing. Allele origin: unknown.
Comment: This variant is considered benign. This variant is a silent/synonymous amino acid change and it is not expected to impact splicing.

Ambry Genetics
Classification: Likely benign for Hereditary cancer-predisposing syndrome. Last evaluated: 2020-10-29. Review status: criteria provided, single submitter. Criteria: Ambry Variant Classification Scheme 2023. Collection method: clinical testing. Allele origin: germline.